The following is an entry in ClinVar:

GRCh37/hg19 12q24.21-24.23(chr12:116499832-118681240)x1

Genes: FBXO21 (F-box protein 21; minus strand), FBXW8 (F-box and WD repeat domain containing 8; plus strand), HRK (harakiri, BCL2 interacting protein; minus strand), KSR2 (kinase suppressor of ras 2; minus strand), MAP1LC3B2 (microtubule associated protein 1 light chain 3 beta 2; plus strand) and 10 more. Cytogenetic location: 12q24.21-24.23.
Variant type: copy number loss.
Change: copy number 1 (one copy instead of two) of chr12:116,499,832-118,681,240 (2.18 Mb, GRCh37 coordinates, 1-based), cytogenetic band 12q24.21-24.23.
Identifiers: ClinVar variation 2685457 (VCV002685457.1).

ClinVar aggregate classification (germline): Pathogenic (1 of 4 stars; one submission).

Submission:

Quest Diagnostics Nichols Institute San Juan Capistrano
Classification: Pathogenic. Last evaluated: 2023-03-16. Review status: criteria provided, single submitter. Criteria: ACMG/ClinGen CNV Guidelines, 2019. Collection method: clinical testing. Allele origin: unknown.
Comment: This loss involves multiple protein-coding genes, including multiple exons (NM_015335.5) of the 5' portion of MED13L (OMIM 608771). Haploinsufficiency of MED13L is associated with intellectual disability and distinctive facial features, with or without cardiac defects (MRFACD; OMIM 616789, Torring et al., Eur J Med Genet 2019;62(2):129-136, PMID: 29959045, Smol et al. Neurogenetics. 2018 May;19(2):93-103. PMID: 29511999; Asadollahi et al. Eur J Med Genet. 2017 Sep;60(9):451-464. PMID: 28645799; Yamamoto et al. Am J Med Genet A. 2017 May;173(5):1264-1269. PMID: 28371282). There is evidence of incomplete penetrance for this phenotype (Muncke et al., Circulation 2003;108(23):2843-50, PMID: 14638541). There are no similar copy number losses of this region in the general populations of the Database of Genomic Variants. Thus, this copy number variant (CNV) is classified as pathogenic.